The following is an entry in ClinVar:

NM_207034.3(EDN3):c.543-1G>C

Gene: EDN3 (endothelin 3; plus strand). Cytogenetic location: 20q13.32.
Variant type: single nucleotide variant.
Coding change: c.543-1G>C on transcript NM_207034.3 (MANE Select); the canonical splice acceptor site of the intron before coding-DNA position 543, G replaced by C.
Molecular consequence: splice acceptor variant. On other transcripts: missense variant (1), intron variant (2).
Genome position (GRCh38, 1-based): chr20:59,322,371, G>C. VCF-style: chr20-59322371-G-C. GRCh37 (hg19) VCF-style: chr20-57897426-G-C.
Other names: c.556G>C, p.Val186Leu (NM_001424361.1); c.543-1G>C (NM_001424363.1, NM_001424362.1, NM_207032.3 and 1 more transcripts); c.542+1178G>C (NM_207033.3, NM_001302456.2); short protein forms V186L.
Identifiers: ClinVar variation 4070687 (VCV004070687.1).

ClinVar aggregate classification (germline): Uncertain significance (1 of 4 stars; one submission).

Submission:

GeneDx
Classification: Uncertain significance. Last evaluated: 2025-01-16. Review status: criteria provided, single submitter. Criteria: GeneDx Variant Classification Process June 2021. Collection method: clinical testing. Allele origin: germline. Affected: yes.
Comment: Not observed at significant frequency in large population cohorts (gnomAD); Has not been previously published as pathogenic or benign to our knowledge; Canonical splice site variant in a gene for which loss-of-function is not an established mechanism of disease